The following is an entry in ClinVar:

NM_002474.3(MYH11):c.2769A>G (p.Ile923Met)

Gene: MYH11 (myosin heavy chain 11; minus strand). Cytogenetic location: 16p13.11.
Variant type: single nucleotide variant.
Coding change: c.2769A>G on transcript NM_002474.3 (MANE Select); coding-DNA position 2769, A replaced by G.
Protein change: p.Ile923Met; replaces isoleucine 923 with methionine.
Molecular consequence: missense variant.
Genome position (GRCh38, 1-based): chr16:15,741,553, T>C on the plus strand (A>G on the coding strand, the complement: MYH11 is on the minus strand). VCF-style: chr16-15741553-T-C. GRCh37 (hg19) VCF-style: chr16-15835410-T-C.
Other names: c.2790A>G, p.Ile930Met (NM_001040113.2, NM_001040114.2); c.2769A>G, p.Ile923Met (NM_022844.3); short protein forms I923M, I930M.
Identifiers: ClinVar variation 4809095 (VCV004809095.1).

ClinVar aggregate classification (germline): Uncertain significance (1 of 4 stars; one submission).

Conditions:
Aortic aneurysm, familial thoracic 4 (AAT4). Also called: AORTIC ANEURYSM/AORTIC DISSECTION AND PATENT DUCTUS ARTERIOSUS. Identifiers: MedGen C1851504, MONDO:0007568, OMIM 132900.

Submission:

Labcorp Genetics (formerly Invitae), Labcorp
Classification: Uncertain significance for Aortic aneurysm, familial thoracic 4. Last evaluated: 2026-01-25. Review status: criteria provided, single submitter. Criteria: Invitae Variant Classification Sherloc (09022015). Collection method: clinical testing. Allele origin: germline.
Comment: This sequence change replaces isoleucine, which is neutral and non-polar, with methionine, which is neutral and non-polar, at codon 930 of the MYH11 protein (p.Ile930Met). This variant is not present in population databases (gnomAD no frequency). This variant has not been reported in the literature in individuals affected with MYH11-related conditions. Invitae Evidence Modeling of protein sequence and biophysical properties (such as structural, functional, and spatial information, amino acid conservation, physicochemical variation, residue mobility, and thermodynamic stability) indicates that this missense variant is not expected to disrupt MYH11 protein function with a negative predictive value of 95%. In summary, the available evidence is currently insufficient to determine the role of this variant in disease. Therefore, it has been classified as a Variant of Uncertain Significance.